The following is an entry in ClinVar:

ClinVar aggregate classification (germline): Benign (1 of 4 stars; one submission).

Conditions:
Maturity-onset diabetes of the young type 7 (MODY7). Identifiers: Orphanet 552, MedGen C1864839, MONDO:0012513, OMIM 610508.

Allele frequency attached by ClinVar (database versions not stated): gnomAD exomes 0.00042; gnomAD 0.00350 and 0.00373; TOPMed 0.00386; 1000 Genomes Project 0.00519; 1000 Genomes Project 30x 0.00547.

Submission:

Illumina Laboratory Services, Illumina
Classification: Benign for Maturity-onset diabetes of the young type 7. Last evaluated: 2018-01-13. Review status: criteria provided, single submitter. Criteria: ICSL Variant Classification Criteria 13 December 2019. Collection method: clinical testing. Allele origin: germline.
Comment: This variant was observed in the ICSL laboratory as part of a predisposition screen in an ostensibly healthy population. It had not been previously curated by ICSL or reported in the Human Gene Mutation Database (HGMD: prior to June 1st, 2018), and was therefore a candidate for classification through an automated scoring system. Utilizing variant allele frequency, disease prevalence and penetrance estimates, and inheritance mode, an automated score was calculated to assess if this variant is too frequent to cause the disease. Based on the score and internal cut-off values, a variant classified as benign is not then subjected to further curation. The score for this variant resulted in a classification of benign for this disease.

NM_003597.5(KLF11):c.*262C>T

Gene: KLF11 (KLF transcription factor 11; plus strand). Cytogenetic location: 2p25.1.
Variant type: single nucleotide variant.
Coding change: c.*262C>T on transcript NM_003597.5 (MANE Select); 262 bases downstream of the stop codon, C replaced by T.
Molecular consequence: 3 prime UTR variant.
Genome position (GRCh38, 1-based): chr2:10,052,769, C>T. VCF-style: chr2-10052769-C-T. GRCh37 (hg19) VCF-style: chr2-10192896-C-T.
Other names: c.*262C>T (NM_001177716.2, NM_001177718.2).
Identifiers: ClinVar variation 893171 (VCV000893171.4), dbSNP rs147746428, ClinGen allele CA42435095.